The following is an entry in ClinVar:

ClinVar aggregate classification (germline): Uncertain significance (1 of 4 stars; one submission).

gnomAD v4.1: 1 of 1,612,402 alleles (0.000062%); highest among the groups gnomAD compares: Non-Finnish European, 0.000085%; no homozygotes.

Submission:

GeneDx
Classification: Uncertain significance. Last evaluated: 2020-01-31. Review status: criteria provided, single submitter. Criteria: GeneDx Variant Classification Process June 2021. Collection method: clinical testing. Allele origin: germline. Affected: yes.
Comment: Has not been previously published as pathogenic or benign to our knowledge; Not observed in large population cohorts (Lek et al., 2016); In silico analysis supports that this missense variant does not alter protein structure/function

NM_001365276.2(TNXB):c.7660G>C (p.Val2554Leu)

Gene: TNXB (tenascin XB; minus strand). Cytogenetic location: 6p21.33.
Variant type: single nucleotide variant.
Coding change: c.7660G>C on transcript NM_001365276.2 (MANE Select); coding-DNA position 7660, G replaced by C.
Protein change: p.Val2554Leu; replaces valine 2554 with leucine.
Molecular consequence: missense variant.
Genome position (GRCh38, 1-based): chr6:32,058,223, C>G on the plus strand (G>C on the coding strand, the complement: TNXB is on the minus strand). VCF-style: chr6-32058223-C-G. GRCh37 (hg19) VCF-style: chr6-32026000-C-G.
Other names: c.7660G>C, p.Val2554Leu (NM_019105.8); short protein forms V2554L.
Identifiers: ClinVar variation 1211554 (VCV001211554.3), dbSNP rs777317530, ClinGen allele CA363551371.
Genomic context (GRCh38, chr6:32,058,223, plus strand): 5'-TGCTCTCCTGGCCCCCAACACGCACCGCCTGGGGCCGCCCGTCCCTGTCCTTGTACTGCA[C>G]GGTGAAGGAGTCAAAGCGGCCCTGGGGGACGGTCCAGGAAAGGCTCAGCGAGTCAGGGGA-3'
Protein context (NP_001352205.1, residues 2544-2564): VPQGRFDSFT[Val2554Leu]QYKDRDGRPQ